The following is an entry in ClinVar:

ClinVar aggregate classification (germline): Conflicting classifications of pathogenicity. Review status: criteria provided, conflicting classifications (1 of 4 stars). 2 submissions from 2 submitters: Likely pathogenic (1); Uncertain significance (1). Last evaluated 2025-06-04.

Conditions:
Frontotemporal dementia (FTD1). Also called: Frontotemporal Dementia with Parkinsonism-17 (FTDP-17); Frontotemporal lobe dementia (FLDEM); FRONTOTEMPORAL LOBAR DEGENERATION WITH TAU INCLUSIONS; FTLD WITH TAU INCLUSIONS; Dementia, frontotemporal, with or without parkinsonism; FRONTOTEMPORAL DEMENTIA WITH PARKINSONISM. Identifiers: Orphanet 282, MedGen C0338451, MONDO:0017276, OMIM 600274, HP:0002145.
GRN-related frontotemporal lobar degeneration with Tdp43 inclusions (FTD2). Also called: DEMENTIA, HEREDITARY DYSPHASIC DISINHIBITION; GRN Frontotemporal Dementia; FRONTOTEMPORAL DEMENTIA WITH TDP43 INCLUSIONS, GRN-RELATED; FRONTOTEMPORAL LOBAR DEGENERATION WITH UBIQUITIN-POSITIVE INCLUSIONS; FTLD-TDP, GRN-RELATED. Identifiers: Orphanet 100070, Orphanet 282, MedGen C1843792, MONDO:0011842, OMIM 607485. Disease mechanism: loss of function.
Neuronal ceroid lipofuscinosis 11. Also called: GRN-Related Neuronal Ceroid-Lipofuscinosis. Identifiers: Orphanet 314629, Orphanet 79262, MedGen C3539123, MONDO:0013866, OMIM 614706.

gnomAD v4.1: 2 of 1,612,914 alleles (0.00012%); highest among the groups gnomAD compares: Non-Finnish European, 0.00017%; no homozygotes.

Submissions (3):

Labcorp Genetics (formerly Invitae), Labcorp
Classification: Uncertain significance for Neuronal ceroid lipofuscinosis 11; GRN-related frontotemporal lobar degeneration with Tdp43 inclusions. Last evaluated: 2025-06-04. Review status: criteria provided, single submitter. Criteria: Invitae Variant Classification Sherloc (09022015). Collection method: clinical testing. Allele origin: germline.
Comment: This sequence change affects codon 393 of the GRN mRNA. It is a 'silent' change, meaning that it does not change the encoded amino acid sequence of the GRN protein. This variant also falls at the last nucleotide of exon 10, which is part of the consensus splice site for this exon. This variant is not present in population databases (gnomAD no frequency). This variant has been observed in individual(s) with dementia (PMID: 30279455). ClinVar contains an entry for this variant (Variation ID: 599616). Variants that disrupt the consensus splice site are a relatively common cause of aberrant splicing (PMID: 17576681, 9536098). Algorithms developed to predict the effect of sequence changes on RNA splicing suggest that this variant may disrupt the consensus splice site. In summary, the available evidence is currently insufficient to determine the role of this variant in disease. Therefore, it has been classified as a Variant of Uncertain Significance.

Human Genetics Group at Institute of Prion Diseases London, University College London
Classification: Likely pathogenic for Frontotemporal dementia. Last evaluated: 2017-02-01. Review status: criteria provided, single submitter. Criteria: Koriath et al. 2018. Collection method: clinical testing. Allele origin: inherited. Affected: yes. Observed: 1 variant allele.
Comment: This result is consistent with a diagnosis of GRN-related dementia. The c.1179G>A p.? variant has not been previously reported in the literature, though it is likely to be pathogenic. It occurs at a highly conserved splice site at an intron-exon boundary and is therefore predicted to affect GRN splicing. Analysis of affected family members would assist in the interpretation of this result.

Confirmed by Sanger sequencing

Dr. Peter K. Rogan Lab, Western University
No classification provided (evidence only). Condition: Melanoma. Review status: no classification provided. Collection method: in vitro. Allele origin: not applicable. Functional consequence: retained intron. Not counted in ClinVar's aggregate classification.

Literature cited by the submitters: PubMed 30279455 (cited by Labcorp Genetics (formerly Invitae), Labcorp); PubMed 17576681 (cited by Labcorp Genetics (formerly Invitae), Labcorp); PubMed 9536098 (cited by Labcorp Genetics (formerly Invitae), Labcorp).

NM_002087.4(GRN):c.1179G>A (p.Glu393=)

Gene: GRN (granulin precursor; plus strand). Cytogenetic location: 17q21.31.
Variant type: single nucleotide variant.
Coding change: c.1179G>A on transcript NM_002087.4 (MANE Select); coding-DNA position 1179, G replaced by A.
Protein change: p.Glu393=; no amino-acid change (glutamic acid 393 retained).
Molecular consequence: synonymous variant.
Genome position (GRCh38, 1-based): chr17:44,351,795, G>A. VCF-style: chr17-44351795-G-A. GRCh37 (hg19) VCF-style: chr17-42429163-G-A.
Other names: NC_000017.10:g.42429163G>A.
Identifiers: ClinVar variation 599616 (VCV000599616.3), dbSNP rs1567887777, ClinGen allele CA500622174.